The following is an entry in ClinVar:

ClinVar aggregate classification (germline): Benign. Review status: criteria provided, multiple submitters, no conflicts (2 of 4 stars). 5 submissions from 5 submitters: Benign (4). 1 of the submissions does not count toward it. Last evaluated 2026-02-01.

Conditions:
Van der Woude syndrome 2 (VWS2). Identifiers: Orphanet 888, MedGen C1847604, MONDO:0011712, OMIM 606713.
GRHL3-related disorder. Also called: GRHL3-related condition.

Allele frequency attached by ClinVar (database versions not stated): 1000 Genomes Project 30x 0.01640; 1000 Genomes Project 0.01757; TOPMed 0.02800; ESP Exome Variant Server 0.03268; ExAC 0.03276; gnomAD 0.03371 and 0.03450; gnomAD exomes 0.03394.

Submissions (5):

Labcorp Genetics (formerly Invitae), Labcorp
Classification: Benign for Van der Woude syndrome 2. Last evaluated: 2026-02-01. Review status: criteria provided, single submitter. Criteria: Invitae Variant Classification Sherloc (09022015). Collection method: clinical testing. Allele origin: germline.

Blueprint Genetics
Classification: Benign. Last evaluated: 2024-11-26. Review status: criteria provided, single submitter. Criteria: ACMG Guidelines, 2015. Collection method: clinical testing. Allele origin: germline.

GeneDx
Classification: Benign. Last evaluated: 2021-05-04. Review status: criteria provided, single submitter. Criteria: GeneDx Variant Classification Process June 2021. Collection method: clinical testing. Allele origin: germline. Affected: yes.

Breakthrough Genomics
Classification: Benign. Review status: criteria provided, single submitter. Criteria: ACMG Guidelines, 2015. Collection method: not provided. Allele origin: germline. Inheritance: Autosomal dominant inheritance. Affected: yes.

PreventionGenetics, part of Exact Sciences
Classification: Benign for GRHL3-related condition. Last evaluated: 2019-03-20. Review status: no assertion criteria provided. Collection method: clinical testing. Allele origin: germline. Not counted in ClinVar's aggregate classification.
Comment: This variant is classified as benign based on ACMG/AMP sequence variant interpretation guidelines (Richards et al. 2015 PMID: 25741868, with internal and published modifications).

NM_198173.3(GRHL3):c.479T>C (p.Val160Ala)

Gene: GRHL3 (grainyhead like transcription factor 3; plus strand). Cytogenetic location: 1p36.11.
Variant type: single nucleotide variant.
Coding change: c.479T>C on transcript NM_198173.3 (MANE Select); coding-DNA position 479, T replaced by C.
Protein change: p.Val160Ala; replaces valine 160 with alanine.
Molecular consequence: missense variant.
Genome position (GRCh38, 1-based): chr1:24,336,694, T>C. VCF-style: chr1-24336694-T-C. GRCh37 (hg19) VCF-style: chr1-24663184-T-C.
Other names: c.479T>C (NM_198173.2); c.341T>C, p.Val114Ala (NM_001195010.2); c.494T>C, p.Val165Ala (NM_021180.4); c.479T>C, p.Val160Ala (NM_198174.3); short protein forms V160A, V114A, V165A.
Identifiers: ClinVar variation 465250 (VCV000465250.18), dbSNP rs34637004, ClinGen allele CA689906.